The following is an entry in ClinVar:

NM_000372.5(TYR):c.235T>C (p.Ser79Pro)

Gene: TYR (tyrosinase; plus strand). Cytogenetic location: 11q14.3.
Variant type: single nucleotide variant.
Coding change: c.235T>C on transcript NM_000372.5 (MANE Select); coding-DNA position 235, T replaced by C.
Protein change: p.Ser79Pro; replaces serine 79 with proline.
Molecular consequence: missense variant.
Genome position (GRCh38, 1-based): chr11:89,178,188, T>C. VCF-style: chr11-89178188-T-C. GRCh37 (hg19) VCF-style: chr11-88911356-T-C.
Other names: short protein forms S79P.
Identifiers: ClinVar variation 3907116 (VCV003907116.1).

ClinVar aggregate classification (germline): Uncertain significance (1 of 4 stars; one submission).

Submission:

Women's Health and Genetics/Laboratory Corporation of America, LabCorp
Classification: Uncertain significance. Last evaluated: 2025-06-16. Review status: criteria provided, single submitter. Criteria: LabCorp Variant Classification Summary - May 2015. Collection method: clinical testing. Allele origin: germline.
Comment: Variant summary: TYR c.235T>C (p.Ser79Pro) results in a non-conservative amino acid change in the encoded protein sequence. Algorithms developed to predict the effect of missense changes on protein structure and function are either unavailable or do not agree on the potential impact of this missense change. The variant was absent in 250994 control chromosomes. The available data on variant occurrences in the general population are insufficient to allow any conclusion about variant significance. c.235T>C has been observed in individual(s) affected with Oculocutaneous Albinism (King_2003). These report(s) do not provide unequivocal conclusions about association of the variant with Oculocutaneous Albinism. At least one publication reports experimental evidence evaluating an impact on protein function. These results showed no damaging effect of this variant (Mondal_2016). The following publications have been ascertained in the context of this evaluation (PMID: 13680365, 27537549). No submitters have cited clinical-significance assessments for this variant to ClinVar. Based on the evidence outlined above, the variant was classified as uncertain significance.

Literature cited by the submitters: PubMed 13680365; PubMed 27537549.